The following is an entry in ClinVar:

NC_000023.11:g.(?_31729621)_(31879410_?)del

Gene: DMD (dystrophin; minus strand). Cytogenetic location: Xp21.1.
Variant type: Deletion.
Identifiers: ClinVar variation 832462 (VCV000832462.1).

ClinVar aggregate classification (germline): Pathogenic (1 of 4 stars; one submission).

Conditions:
Duchenne muscular dystrophy (DMD). Also called: Duchenne Muscular Dystrophy (DMD); MUSCULAR DYSTROPHY, PSEUDOHYPERTROPHIC PROGRESSIVE, DUCHENNE TYPE. Identifiers: Orphanet 98896, MedGen C0013264, MONDO:0010679, OMIM 310200.

Submission:

Labcorp Genetics (formerly Invitae), Labcorp
Classification: Pathogenic for Duchenne muscular dystrophy. Last evaluated: 2019-09-03. Review status: criteria provided, single submitter. Criteria: Invitae Variant Classification Sherloc (09022015). Collection method: clinical testing. Allele origin: germline.
Comment: This variant is an out-of-frame deletion of the genomic region encompassing exons 48-52 of the DMD gene. This creates a premature translational stop signal and is expected to result in an absent or disrupted protein product. This variant has been reported in several individuals affected with Becker muscular dystrophy (PMID: 8543940) and several individuals affected with Duchenne muscular dystrophy (PMID: 23299919, 26911353,9619643, 18752307, 15976104). Loss-of-function variants in DMD are known to be pathogenic (PMID: 16770791, 25007885). For these reasons, this variant has been classified as Pathogenic.

Literature cited by the submitters: PubMed 26911353; PubMed 9619643; PubMed 18752307; PubMed 8543940; PubMed 23299919; PubMed 15976104.